The following is an entry in ClinVar:

NM_000320.3(QDPR):c.115A>C (p.Ser39Arg)

Gene: QDPR (quinoid dihydropteridine reductase; minus strand). Cytogenetic location: 4p15.32.
Variant type: single nucleotide variant.
Coding change: c.115A>C on transcript NM_000320.3 (MANE Select); coding-DNA position 115, A replaced by C.
Protein change: p.Ser39Arg; replaces serine 39 with arginine.
Molecular consequence: missense variant. On other transcripts: non-coding transcript variant (1), intron variant (1).
Genome position (GRCh38, 1-based): chr4:17,509,354, T>G on the plus strand (A>C on the coding strand, the complement: QDPR is on the minus strand). VCF-style: chr4-17509354-T-G. GRCh37 (hg19) VCF-style: chr4-17510977-T-G.
Other names: c.115A>C (NM_000320.2); c.105+2596A>C (NM_001306140.2); short protein forms S39R.
Identifiers: ClinVar variation 1415284 (VCV001415284.8), dbSNP rs987746060, ClinGen allele CA92606065.
Genomic context (GRCh38, chr4:17,509,354, plus strand): 5'-AGTCTGTCATTTTAACAATGATGCTAGCGCTGGCCTCTTCATTCTCCACCACATCAACGC[T>G]GGCAACCCACTGGAAGGAGAAAACAGCTTTGGTTAAGAGGCAGTGAGTTGTTATTCCATG-3'
Protein context (NP_000311.2, residues 29-49): AFRARNWWVA[Ser39Arg]VDVVENEEAS

ClinVar aggregate classification (germline): Uncertain significance. Review status: criteria provided, multiple submitters, no conflicts (2 of 4 stars). 3 submissions from 3 submitters: Uncertain significance (3). Last evaluated 2025-09-04.

Conditions:
Dihydropteridine reductase deficiency (HPABH4C). Also called: DHPR DEFICIENCY; BH4-Deficient Hyperphenylalaninemia C; Hyperphenylalaninemia due to dihydropteridine reductase deficiency; Hyperphenylalaninemia, BH-4-deficient, C; Phenylketonuria type 2; HYPERPHENYLALANINEMIA, TETRAHYDROBIOPTERIN-DEFICIENT, DUE TO DHPR DEFICIENCY. Identifiers: Orphanet 226, Orphanet 238583, MedGen C0268465, MONDO:0009862, OMIM 261630.

Allele frequency attached by ClinVar (database versions not stated): gnomAD exomes below 0.00001; gnomAD 0.00001.
gnomAD v4.1: 7 of 1,613,562 alleles (0.00043%); highest among the groups gnomAD compares: Non-Finnish European, 0.00059%; no homozygotes.

Submissions (3):

Women's Health and Genetics/Laboratory Corporation of America, LabCorp
Classification: Uncertain significance. Last evaluated: 2025-09-04. Review status: criteria provided, single submitter. Criteria: LabCorp Variant Classification Summary - May 2015. Collection method: clinical testing. Allele origin: germline.
Comment: Variant summary: QDPR c.115A>C (p.Ser39Arg) results in a non-conservative amino acid change in the encoded protein sequence. Algorithms developed to predict the effect of missense changes on protein structure and function all suggest that this variant is likely to be disruptive. The variant allele was found at a frequency of 4e-06 in 251486 control chromosomes. The available data on variant occurrences in the general population are insufficient to allow any conclusion about variant significance. c.115A>C has been observed in at least one individual affected with Dihydropteridine Reductase Deficiency (e.g. Thony_2006). This report does not provide unequivocal conclusions about association of the variant with Dihydropteridine Reductase Deficiency. To our knowledge, no experimental evidence demonstrating an impact on protein function has been reported. The following publication has been ascertained in the context of this evaluation (PMID: 16917893). ClinVar contains an entry for this variant (Variation ID: 1415284). Based on the evidence outlined above, the variant was classified as uncertain significance.

Labcorp Genetics (formerly Invitae), Labcorp
Classification: Uncertain significance for Dihydropteridine reductase deficiency. Last evaluated: 2022-10-17. Review status: criteria provided, single submitter. Criteria: Invitae Variant Classification Sherloc (09022015). Collection method: clinical testing. Allele origin: germline.
Comment: This sequence change replaces serine, which is neutral and polar, with arginine, which is basic and polar, at codon 39 of the QDPR protein (p.Ser39Arg). This variant is present in population databases (no rsID available, gnomAD 0.0009%). This missense change has been observed in individual(s) with dihydropteridine reductase deficiency (PMID: 25124972). ClinVar contains an entry for this variant (Variation ID: 1415284). Algorithms developed to predict the effect of missense changes on protein structure and function are either unavailable or do not agree on the potential impact of this missense change (SIFT: "Deleterious"; PolyPhen-2: "Probably Damaging"; Align-GVGD: "Class C0"). In summary, the available evidence is currently insufficient to determine the role of this variant in disease. Therefore, it has been classified as a Variant of Uncertain Significance.

Revvity Omics, Revvity
Classification: Uncertain significance for Dihydropteridine reductase deficiency. Last evaluated: 2019-10-09. Review status: criteria provided, single submitter. Criteria: ACMG Guidelines, 2015. Collection method: clinical testing. Allele origin: germline.

Literature cited by the submitters: PubMed 16917893 (cited by Women's Health and Genetics/Laboratory Corporation of America, LabCorp); PubMed 25124972 (cited by Labcorp Genetics (formerly Invitae), Labcorp).